The following is an entry in ClinVar:

ClinVar aggregate classification (germline): Uncertain significance (1 of 4 stars; one submission).

Allele frequency attached by ClinVar (database versions not stated): TOPMed 0.00001; gnomAD 0.00001; gnomAD exomes 0.00004; ExAC 0.00004.
gnomAD v4.1: 47 of 1,613,740 alleles (0.0029%); highest among the groups gnomAD compares: South Asian, 0.03%; 1 homozygote.

Submission:

Labcorp Genetics (formerly Invitae), Labcorp
Classification: Uncertain significance. Last evaluated: 2021-12-02. Review status: criteria provided, single submitter. Criteria: Invitae Variant Classification Sherloc (09022015). Collection method: clinical testing. Allele origin: germline.
Comment: This sequence change replaces threonine, which is neutral and polar, with methionine, which is neutral and non-polar, at codon 159 of the MLC1 protein (p.Thr159Met). This variant is present in population databases (rs777239986, gnomAD 0.03%). This variant has not been reported in the literature in individuals affected with MLC1-related conditions. Algorithms developed to predict the effect of missense changes on protein structure and function (SIFT, PolyPhen-2, Align-GVGD) all suggest that this variant is likely to be disruptive. In summary, the available evidence is currently insufficient to determine the role of this variant in disease. Therefore, it has been classified as a Variant of Uncertain Significance.

NM_015166.4(MLC1):c.476C>T (p.Thr159Met)

Gene: MLC1 (modulator of VRAC current 1; minus strand). Cytogenetic location: 22q13.33.
Variant type: single nucleotide variant.
Coding change: c.476C>T on transcript NM_015166.4 (MANE Select); coding-DNA position 476, C replaced by T.
Protein change: p.Thr159Met; replaces threonine 159 with methionine.
Molecular consequence: missense variant. On other transcripts: non-coding transcript variant (3).
Genome position (GRCh38, 1-based): chr22:50,077,450, G>A on the plus strand (C>T on the coding strand, the complement: MLC1 is on the minus strand). VCF-style: chr22-50077450-G-A. GRCh37 (hg19) VCF-style: chr22-50515879-G-A.
Other names: c.476C>T, p.Thr159Met (NM_001376472.1, NM_001376473.1, NM_001376474.1 and 6 more transcripts); c.386C>T, p.Thr129Met (NM_001376480.1); c.374C>T, p.Thr125Met (NM_001376481.1); c.320C>T, p.Thr107Met (NM_001376482.1, NM_001376483.1); c.239C>T, p.Thr80Met (NM_001376484.1); short protein forms T107M, T159M, T129M, T125M, T80M.
Identifiers: ClinVar variation 1381543 (VCV001381543.5), dbSNP rs777239986, ClinGen allele CA10303533.